The following is an entry in ClinVar:

NM_007294.4(BRCA1):c.548-10A>G

Gene: BRCA1 (BRCA1 DNA repair associated; minus strand). Cytogenetic location: 17q21.31.
Variant type: single nucleotide variant.
Coding change: c.548-10A>G on transcript NM_007294.4 (MANE Select); 10 bases into the intron before coding-DNA position 548, A replaced by G.
Molecular consequence: intron variant.
Genome position (GRCh38, 1-based): chr17:43,097,299, T>C on the plus strand (A>G on the coding strand, the complement: BRCA1 is on the minus strand). VCF-style: chr17-43097299-T-C. GRCh37 (hg19) VCF-style: chr17-41249316-T-C.
Other names: c.335-2439A>G (NM_001407955.1, NM_001408509.1, NM_001408508.1 and 3 more transcripts); c.335-10A>G (NM_001408493.1, NM_001408490.1, NM_001407915.1 and 12 more transcripts); c.545-2439A>G (NM_001407670.1, NM_001408445.1, NM_001408432.1 and 20 more transcripts); c.545-10A>G (NM_001408431.1, NM_001408424.1, NM_001408407.1 and 41 more transcripts); c.338-2439A>G (NM_001408502.1, NM_001407951.1, NM_001407946.1 and 7 more transcripts); c.338-10A>G (NM_001408489.1, NM_001408479.1, NM_001407910.1 and 27 more transcripts); c.539-10A>G (NM_001407646.1, NM_001408408.1, NM_001407647.1); c.407-10A>G (NM_001408458.1, NM_001408469.1, NM_001408453.1 and 43 more transcripts); and 17 more.
Identifiers: ClinVar variation 937890 (VCV000937890.13), dbSNP rs878854959, ClinGen allele CA1139663122.

ClinVar aggregate classification (germline): Uncertain significance. Review status: criteria provided, multiple submitters, no conflicts (2 of 4 stars). 2 submissions from 2 submitters: Uncertain significance (2). Last evaluated 2021-02-26.

Conditions:
Hereditary breast ovarian cancer syndrome. Also called: BRCA1- and BRCA2-Associated Hereditary Breast and Ovarian Cancer; Hereditary breast and/or ovarian cancer syndrome; Hereditary breast and ovarian cancer syndrome; Hereditary breast and ovarian cancer; Breast and ovarian cancer; Hereditary breast and ovarian cancer syndrome (HBOC). Identifiers: Orphanet 145, MedGen C0677776, MeSH D061325, MONDO:0003582. Disease mechanism: loss of function.
Hereditary cancer-predisposing syndrome. Also called: Tumor predisposition; Hereditary neoplastic syndrome; Hereditary Cancer Syndrome; Neoplastic Syndromes, Hereditary. Identifiers: Orphanet 140162, MedGen C0027672, MeSH D009386, MONDO:0015356.

Submissions (2):

Color Diagnostics, LLC DBA Color Health
Classification: Uncertain significance for Hereditary cancer-predisposing syndrome. Last evaluated: 2021-02-26. Review status: criteria provided, single submitter. Criteria: ACMG Guidelines, 2015. Collection method: clinical testing. Allele origin: germline.
Comment: This variant causes an A to G nucleotide substitution at the -10 position of intron 7 of the BRCA1 gene. This variant is predicted to create a cryptic splice acceptor site. Splice site prediction tools suggest that this variant may impact RNA splicing. However, to our knowledge, the splicing impact of this variant has not been analyzed in carrier RNA nor in controlled experiments. This variant has not been reported in individuals affected with hereditary cancer in the literature. This variant also has not been identified in the general population by the Genome Aggregation Database (gnomAD). The available evidence is insufficient to determine the role of this variant in disease conclusively. Therefore, this variant is classified as a Variant of Uncertain Significance.

Labcorp Genetics (formerly Invitae), Labcorp
Classification: Uncertain significance for Hereditary breast ovarian cancer syndrome. Last evaluated: 2020-09-03. Review status: criteria provided, single submitter. Criteria: Invitae Variant Classification Sherloc (09022015). Collection method: clinical testing. Allele origin: germline.
Comment: In summary, the available evidence is currently insufficient to determine the role of this variant in disease. Therefore, it has been classified as a Variant of Uncertain Significance. Algorithms developed to predict the effect of sequence changes on RNA splicing suggest that this variant may disrupt the consensus splice site, but this prediction has not been confirmed by published transcriptional studies. This variant has not been reported in the literature in individuals with BRCA1-related conditions. This variant is not present in population databases (ExAC no frequency). This sequence change falls in intron 7 of the BRCA1 gene. It does not directly change the encoded amino acid sequence of the BRCA1 protein.